The following is an entry in ClinVar:

ClinVar aggregate classification (germline): Uncertain significance. Review status: criteria provided, multiple submitters, no conflicts (2 of 4 stars). 2 submissions from 2 submitters: Uncertain significance (2). Last evaluated 2025-08-20.

Conditions:
Inborn genetic diseases. Identifiers: MedGen C0950123, MeSH D030342.
Tay-Sachs disease (TSD). Also called: GM2 gangliosidosis, type 1; Hexosaminidase alpha-subunit deficiency (variant B); Sphingolipidosis, Tay-Sachs; Hexosaminidase A Deficiency; HEXA DEFICIENCY; HEXA Disorders. Identifiers: Orphanet 845, MedGen C0039373, MONDO:0010100, OMIM 272800.

Allele frequency attached by ClinVar (database versions not stated): gnomAD exomes below 0.00001.
gnomAD v4.1: 1 of 1,609,670 alleles (0.000062%); highest among the groups gnomAD compares: Non-Finnish European, 0.000085%; no homozygotes.

Submissions (2):

Ambry Genetics
Classification: Uncertain significance for Inborn genetic diseases. Last evaluated: 2025-08-20. Review status: criteria provided, single submitter. Criteria: Ambry Variant Classification Scheme 2023. Collection method: clinical testing. Allele origin: germline.

Labcorp Genetics (formerly Invitae), Labcorp
Classification: Uncertain significance for Tay-Sachs disease. Last evaluated: 2022-05-13. Review status: criteria provided, single submitter. Criteria: Invitae Variant Classification Sherloc (09022015). Collection method: clinical testing. Allele origin: germline.
Comment: In summary, the available evidence is currently insufficient to determine the role of this variant in disease. Therefore, it has been classified as a Variant of Uncertain Significance. This sequence change replaces asparagine, which is neutral and polar, with histidine, which is basic and polar, at codon 332 of the HEXA protein (p.Asn332His). This variant is not present in population databases (gnomAD no frequency). This variant has not been reported in the literature in individuals affected with HEXA-related conditions. Algorithms developed to predict the effect of missense changes on protein structure and function are either unavailable or do not agree on the potential impact of this missense change (SIFT: "Deleterious"; PolyPhen-2: "Probably Damaging"; Align-GVGD: "Class C0").

NM_000520.6(HEXA):c.994A>C (p.Asn332His)

Gene: HEXA (hexosaminidase subunit alpha; minus strand). Cytogenetic location: 15q23.
Variant type: single nucleotide variant.
Coding change: c.994A>C on transcript NM_000520.6 (MANE Select); coding-DNA position 994, A replaced by C.
Protein change: p.Asn332His; replaces asparagine 332 with histidine.
Molecular consequence: missense variant. On other transcripts: non-coding transcript variant (1).
Genome position (GRCh38, 1-based): chr15:72,348,127, T>G on the plus strand (A>C on the coding strand, the complement: HEXA is on the minus strand). VCF-style: chr15-72348127-T-G. GRCh37 (hg19) VCF-style: chr15-72640468-T-G.
Other names: c.1027A>C, p.Asn343His (NM_001318825.2); c.994A>C (NM_000520.4); short protein forms N343H, N332H.
Identifiers: ClinVar variation 2168949 (VCV002168949.5), dbSNP rs2542520604, ClinGen allele CA393062007.